The following is an entry in ClinVar:

NM_000489.6(ATRX):c.5697+6T>A

Gene: ATRX (ATRX chromatin remodeler; minus strand). Cytogenetic location: Xq21.1.
Variant type: single nucleotide variant.
Coding change: c.5697+6T>A on transcript NM_000489.6 (MANE Select); 6 bases into the intron after coding-DNA position 5697, T replaced by A.
Molecular consequence: intron variant.
Genome position (GRCh38, 1-based): chrX:77,600,428, A>T on the plus strand (T>A on the coding strand, the complement: ATRX is on the minus strand). VCF-style: chrX-77600428-A-T. GRCh37 (hg19) VCF-style: chrX-76855897-A-T.
Other names: c.5583+6T>A (NM_138270.5).
Identifiers: ClinVar variation 4727924 (VCV004727924.1).

ClinVar aggregate classification (germline): Uncertain significance (1 of 4 stars; one submission).

Conditions:
Alpha thalassemia-X-linked intellectual disability syndrome (ATRX). Also called: ALPHA-THALASSEMIA/MENTAL RETARDATION SYNDROME, X-LINKED; ATR, NONDELETION TYPE; ATR-X syndrome; Alpha thalassemia mental retardation syndrome, nondeletion type, X-linked; XLMR hypotonic face syndrome; X-linked alpha-thalassemia-mental retardation syndrome. Identifiers: Orphanet 847, MedGen C1845055, MONDO:0010519, OMIM 301040.

Submission:

Labcorp Genetics (formerly Invitae), Labcorp
Classification: Uncertain significance for Alpha thalassemia-X-linked intellectual disability syndrome. Last evaluated: 2025-09-27. Review status: criteria provided, single submitter. Criteria: Invitae Variant Classification Sherloc (09022015). Collection method: clinical testing. Allele origin: germline.
Comment: This sequence change falls in intron 23 of the ATRX gene. It does not directly change the encoded amino acid sequence of the ATRX protein. It affects a nucleotide within the consensus splice site. This variant is not present in population databases (gnomAD no frequency). This variant has not been reported in the literature in individuals affected with ATRX-related conditions. Variants that disrupt the consensus splice site are a relatively common cause of aberrant splicing (PMID: 17576681, 9536098). Algorithms developed to predict the effect of sequence changes on RNA splicing suggest that this variant is not likely to affect RNA splicing. In summary, the available evidence is currently insufficient to determine the role of this variant in disease. Therefore, it has been classified as a Variant of Uncertain Significance.

Literature cited by the submitters: PubMed 17576681; PubMed 9536098.